The following is an entry in ClinVar:

ClinVar aggregate classification (germline): Pathogenic (1 of 4 stars; one submission).

Conditions:
Tuberous sclerosis 1 (TSC1). Identifiers: Orphanet 805, MedGen C1854465, MONDO:0008612, OMIM 191100.

Submission:

Labcorp Genetics (formerly Invitae), Labcorp
Classification: Pathogenic for Tuberous sclerosis 1. Last evaluated: 2018-05-14. Review status: criteria provided, single submitter. Criteria: Invitae Variant Classification Sherloc (09022015). Collection method: clinical testing. Allele origin: germline.
Comment: This sequence change creates a premature translational stop signal (p.His617Ilefs*12) in the TSC1 gene. It is expected to result in an absent or disrupted protein product. This variant is not present in population databases (ExAC no frequency). This variant has been reported in an individual in the Leiden Open-source Variation Database (PMID: 21520333). Loss-of-function variants in TSC1 are known to be pathogenic (PMID: 10227394, 17304050). For these reasons, this variant has been classified as Pathogenic.

Literature cited by the submitters: PubMed 21520333; PubMed 10227394; PubMed 17304050.

NM_000368.5(TSC1):c.1849del (p.His617fs)

Gene: TSC1 (TSC complex subunit 1; minus strand). Cytogenetic location: 9q34.13.
Variant type: Deletion.
Coding change: c.1849del on transcript NM_000368.5 (MANE Select); coding-DNA position 1849, one base deleted (C; older notation c.1849delC).
Protein change: p.His617fs; shifts the reading frame from histidine 617.
Molecular consequence: frameshift variant.
Genome position (GRCh38, 1-based): chr9:132,905,729, G deleted on the plus strand (C on the coding strand, the reverse complement: TSC1 is on the minus strand); the first of 3 consecutive G bases (chr9:132,905,729-132,905,731); deleting any one gives the same sequence. VCF-style (leftmost placement, unchanged base first): chr9-132905728-TG-T. GRCh37 (hg19) VCF-style: chr9-135781115-TG-T.
Other names: c.1846del, p.His616fs (NM_001162426.2); c.1696del, p.His566fs (NM_001162427.2); c.1486del, p.His496fs (NM_001362177.2); c.1849delC (NM_000368.4); short protein forms H496fs, H566fs, H617fs, H616fs.
Identifiers: ClinVar variation 566148 (VCV000566148.8), dbSNP rs1564481122, ClinGen allele CA891843356.